The following is an entry in ClinVar:

ClinVar aggregate classification (germline): Uncertain significance (1 of 4 stars; one submission).

Conditions:
RASopathy. Also called: Noonan spectrum disorder; rasopathies. Identifiers: Orphanet 536391, MedGen C5555857, MONDO:0021060.

Submission:

Labcorp Genetics (formerly Invitae), Labcorp
Classification: Uncertain significance for RASopathy. Last evaluated: 2023-12-16. Review status: criteria provided, single submitter. Criteria: Invitae Variant Classification Sherloc (09022015). Collection method: clinical testing. Allele origin: unknown.
Comment: This variant results in a copy number gain of the genomic region encompassing exon(s) 1 of the PTPN11 gene. This region includes the initiator codon of the gene. This copy number gain extends beyond the assayed region for this gene and therefore may encompass additional genes. As the precise location of this event is unknown, it may be in tandem or it may be located elsewhere in the genome. This variant has not been reported in the literature in individuals affected with PTPN11-related conditions. In summary, the available evidence is currently insufficient to determine the role of this variant in disease. Therefore, it has been classified as a Variant of Uncertain Significance.

NC_000012.11:g.(?_112856916)_(112856949_?)dup

Gene: PTPN11 (protein tyrosine phosphatase non-receptor type 11; plus strand). Cytogenetic location: 12q24.13.
Variant type: Duplication.
Identifiers: ClinVar variation 3244345 (VCV003244345.1).